The following is an entry in ClinVar:

ClinVar aggregate classification (germline): Uncertain significance. Review status: criteria provided, multiple submitters, no conflicts (2 of 4 stars). 3 submissions from 3 submitters: Uncertain significance (3). Last evaluated 2025-02-04.

Conditions:
Hereditary cancer-predisposing syndrome. Also called: Neoplastic Syndromes, Hereditary; Tumor predisposition; Hereditary Cancer Syndrome; Hereditary neoplastic syndrome. Identifiers: Orphanet 140162, MedGen C0027672, MeSH D009386, MONDO:0015356.
Ataxia-telangiectasia syndrome (AT). Also called: LOUIS-BAR SYNDROME; Cerebello-oculocutaneous telangiectasia; Immunodeficiency with ataxia telangiectasia; Ataxia telangiectasia (A-T); Ataxia-telangiectasia, complementation group D; AT, COMPLEMENTATION GROUP C. Identifiers: Orphanet 100, MedGen C0004135, MONDO:0008840, OMIM 208900.

Allele frequency attached by ClinVar (database versions not stated): gnomAD exomes below 0.00001.
gnomAD v4.1: 1 of 1,614,238 alleles (0.000062%); highest among the groups gnomAD compares: Non-Finnish European, 0.000085%; no homozygotes.

Submissions (3):

Ambry Genetics
Classification: Uncertain significance for Hereditary cancer-predisposing syndrome. Last evaluated: 2025-02-04. Review status: criteria provided, single submitter. Criteria: Ambry Variant Classification Scheme 2023. Collection method: clinical testing. Allele origin: germline.
Comment: The p.N2985K variant (also known as c.8955T>A), located in coding exon 61 of the ATM gene, results from a T to A substitution at nucleotide position 8955. The asparagine at codon 2985 is replaced by lysine, an amino acid with similar properties. This amino acid position is conserved. In addition, this alteration is predicted to be tolerated by in silico analysis. Based on the available evidence, the clinical significance of this variant remains unclear.

GeneDx
Classification: Uncertain significance. Last evaluated: 2022-06-08. Review status: criteria provided, single submitter. Criteria: GeneDx Variant Classification Process June 2021. Collection method: clinical testing. Allele origin: germline. Affected: yes.
Comment: Not observed at significant frequency in large population cohorts (gnomAD); In silico analysis supports that this missense variant does not alter protein structure/function; Has not been previously published as pathogenic or benign to our knowledge; This variant is associated with the following publications: (PMID: 23532176)

Labcorp Genetics (formerly Invitae), Labcorp
Classification: Uncertain significance for Ataxia-telangiectasia syndrome. Last evaluated: 2020-11-06. Review status: criteria provided, single submitter. Criteria: Invitae Variant Classification Sherloc (09022015). Collection method: clinical testing. Allele origin: germline.
Comment: Algorithms developed to predict the effect of missense changes on protein structure and function (SIFT, PolyPhen-2, Align-GVGD) all suggest that this variant is likely to be tolerated, but these predictions have not been confirmed by published functional studies and their clinical significance is uncertain. This variant has not been reported in the literature in individuals with ATM-related conditions. This variant is not present in population databases (ExAC no frequency). This sequence change replaces asparagine with lysine at codon 2985 of the ATM protein (p.Asn2985Lys). The asparagine residue is weakly conserved and there is a moderate physicochemical difference between asparagine and lysine. In summary, the available evidence is currently insufficient to determine the role of this variant in disease. Therefore, it has been classified as a Variant of Uncertain Significance.

NM_000051.4(ATM):c.8955T>A (p.Asn2985Lys)

Genes: ATM (ATM serine/threonine kinase; plus strand), C11orf65 (chromosome 11 open reading frame 65; minus strand). Cytogenetic location: 11q22.3.
Variant type: single nucleotide variant.
Coding change: c.8955T>A on transcript NM_000051.4 (MANE Select); coding-DNA position 8955, T replaced by A.
Protein change: p.Asn2985Lys; replaces asparagine 2985 with lysine.
Molecular consequence: missense variant. On other transcripts: intron variant (2).
Genome position (GRCh38, 1-based): chr11:108,365,186, T>A. VCF-style: chr11-108365186-T-A. GRCh37 (hg19) VCF-style: chr11-108235913-T-A.
Other names: c.8955T>A, p.Asn2985Lys (NM_001351834.2); c.640+20734A>T (NM_001330368.2); c.694+20734A>T (NM_001351110.2); short protein forms N2985K.
Identifiers: ClinVar variation 1525685 (VCV001525685.10), dbSNP rs755561691, ClinGen allele CA382530235.
Genomic context (GRCh38, chr11:108,365,186, plus strand): 5'-GAAAGCTTTGTATTTACAGCAGAGGCCGGAAGATGAAACTGAGCTTCACCCTACTCTGAA[T>A]GCAGATGACCAAGAATGCAAACGAAATCTCAGGTGAGCAGTATTTTAAGAAGGTCCTGTT-3'
Protein context (NP_000042.3, residues 2975-2995): EDETELHPTL[Asn2985Lys]ADDQECKRNL